The following is an entry in ClinVar:

NM_000534.5(PMS1):c.2470C>A (p.Pro824Thr)

Gene: PMS1 (PMS1 homolog 1, mismatch repair system component; plus strand). Cytogenetic location: 2q32.2.
Variant type: single nucleotide variant.
Coding change: c.2470C>A on transcript NM_000534.5 (MANE Select); coding-DNA position 2470, C replaced by A.
Protein change: p.Pro824Thr; replaces proline 824 with threonine.
Molecular consequence: missense variant. On other transcripts: non-coding transcript variant (1).
Genome position (GRCh38, 1-based): chr2:189,867,926, C>A. VCF-style: chr2-189867926-C-A. GRCh37 (hg19) VCF-style: chr2-190732652-C-A.
Other names: c.2353C>A, p.Pro785Thr (NM_001128143.2); c.1984C>A, p.Pro662Thr (NM_001128144.2); c.1942C>A, p.Pro648Thr (NM_001289408.2, NM_001289409.2); c.1867C>A, p.Pro623Thr (NM_001321044.2); c.2470C>A, p.Pro824Thr (NM_001321045.2, NM_001321047.2, NM_001321048.2); c.2287C>A, p.Pro763Thr (NM_001321046.2); short protein forms P824T, P785T, P623T, P763T, P648T, P662T.
Identifiers: ClinVar variation 135048 (VCV000135048.1), dbSNP rs587778611, ClinGen allele CA161516.

ClinVar aggregate classification (germline): not provided (0 of 4 stars; one submission).

Allele frequency attached by ClinVar (database versions not stated): TOPMed 0.00001 and below 0.00001; gnomAD 0.00001.
gnomAD v4.1: 6 of 1,608,582 alleles (0.00037%); highest among the groups gnomAD compares: Non-Finnish European, 0.00051%; no homozygotes.

Submission:

ITMI
No classification provided. Condition: AllHighlyPenetrant. Last evaluated: 2013-09-19. Review status: no classification provided. Collection method: reference population. Allele origin: germline.
Comment: Please see associated publication for description of ethnicities

Literature cited by the submitters: PubMed 24728327.